The following is an entry in ClinVar:

ClinVar aggregate classification (germline): Uncertain significance. Review status: criteria provided, multiple submitters, no conflicts (2 of 4 stars). 2 submissions from 2 submitters: Uncertain significance (2). Last evaluated 2025-01-22.

Conditions:
Hereditary cancer-predisposing syndrome. Also called: Hereditary neoplastic syndrome; Neoplastic Syndromes, Hereditary; Tumor predisposition; Hereditary Cancer Syndrome. Identifiers: Orphanet 140162, MedGen C0027672, MeSH D009386, MONDO:0015356.

Allele frequency attached by ClinVar (database versions not stated): gnomAD exomes 0.00001.
gnomAD v4.1: 4 of 1,608,458 alleles (0.00025%); highest among the groups gnomAD compares: Non-Finnish European, 0.00034%; no homozygotes.

Submissions (2):

Labcorp Genetics (formerly Invitae), Labcorp
Classification: Uncertain significance. Last evaluated: 2025-01-22. Review status: criteria provided, single submitter. Criteria: Invitae Variant Classification Sherloc (09022015). Collection method: clinical testing. Allele origin: germline.
Comment: This sequence change replaces histidine, which is basic and polar, with arginine, which is basic and polar, at codon 298 of the NTHL1 protein (p.His298Arg). This variant is not present in population databases (gnomAD no frequency). This missense change has been observed in individual(s) with clinical features of NTHL1-associated polyposis (internal data). ClinVar contains an entry for this variant (Variation ID: 949091). An algorithm developed to predict the effect of missense changes on protein structure and function (PolyPhen-2) suggests that this variant is likely to be tolerated. In summary, the available evidence is currently insufficient to determine the role of this variant in disease. Therefore, it has been classified as a Variant of Uncertain Significance.

Ambry Genetics
Classification: Uncertain significance for Hereditary cancer-predisposing syndrome. Last evaluated: 2024-12-07. Review status: criteria provided, single submitter. Criteria: Ambry Variant Classification Scheme 2023. Collection method: clinical testing. Allele origin: germline.
Comment: The p.H298R variant (also known as c.893A>G), located in coding exon 6 of the NTHL1 gene, results from an A to G substitution at nucleotide position 893. The histidine at codon 298 is replaced by arginine, an amino acid with highly similar properties. This amino acid position is poorly conserved in available vertebrate species. In addition, this alteration is predicted to be tolerated by in silico analysis. Since supporting evidence is limited at this time, the clinical significance of this alteration remains unclear.

NM_002528.7(NTHL1):c.869A>G (p.His290Arg)

Gene: NTHL1 (nth like DNA glycosylase 1; minus strand). Cytogenetic location: 16p13.3.
Variant type: single nucleotide variant.
Coding change: c.869A>G on transcript NM_002528.7 (MANE Select); coding-DNA position 869, A replaced by G.
Protein change: p.His290Arg; replaces histidine 290 with arginine.
Molecular consequence: missense variant.
Genome position (GRCh38, 1-based): chr16:2,039,970, T>C on the plus strand (A>G on the coding strand, the complement: NTHL1 is on the minus strand). VCF-style: chr16-2039970-T-C. GRCh37 (hg19) VCF-style: chr16-2089971-T-C.
Other names: c.698A>G, p.His233Arg (NM_001318193.2); c.539A>G, p.His180Arg (NM_001318194.2); short protein forms H180R, H233R, H290R.
Identifiers: ClinVar variation 949091 (VCV000949091.13), dbSNP rs2084236840, ClinGen allele CA394287160.